The following is an entry in ClinVar:

ClinVar aggregate classification (germline): Uncertain significance. Review status: criteria provided, multiple submitters, no conflicts (2 of 4 stars). 2 submissions from 2 submitters: Uncertain significance (2). Last evaluated 2022-07-12.

Conditions:
Combined immunodeficiency with skin granulomas. Identifiers: Orphanet 157949, MedGen C2673536, MONDO:0009306, OMIM 233650.
Severe combined immunodeficiency, autosomal recessive, T cell-negative, B cell-negative, NK cell-positive. Also called: SCID, T CELL-NEGATIVE, B CELL-NEGATIVE, NK CELL-POSITIVE; SCID, AR, T-cell negative, B-cell negative, NK cell-positive; Severe combined immunodeficiency due to complete RAG1/2 deficiency. Identifiers: Orphanet 331206, MedGen C1832322, MONDO:0011086, OMIM 601457.

Allele frequency attached by ClinVar (database versions not stated): TOPMed 0.00001.

Submissions (2):

Women's Health and Genetics/Laboratory Corporation of America, LabCorp
Classification: Uncertain significance. Last evaluated: 2022-07-12. Review status: criteria provided, single submitter. Criteria: LabCorp Variant Classification Summary - May 2015. Collection method: clinical testing. Allele origin: germline.
Comment: Variant summary: RAG1 c.2029C>G (p.Pro677Ala) results in a non-conservative amino acid change in the encoded protein sequence. Five of five in-silico tools predict a damaging effect of the variant on protein function. The variant allele was found at a frequency of 8e-06 in 250870 control chromosomes (gnomAD). The available data on variant occurrences in the general population are insufficient to allow any conclusion about variant significance. To our knowledge, no occurrence of c.2029C>G in individuals affected with Severe Combined Immunodeficiency and no experimental evidence demonstrating its impact on protein function have been reported. One clinical diagnostic laboratory has submitted clinical-significance assessments for this variant to ClinVar after 2014 and classified the variant as uncertain significance. Based on the evidence outlined above, the variant was classified as uncertain significance.

Labcorp Genetics (formerly Invitae), Labcorp
Classification: Uncertain significance for Combined immunodeficiency with skin granulomas; Severe combined immunodeficiency, autosomal recessive, T cell-negative, B cell-negative, NK cell-positive. Last evaluated: 2021-08-14. Review status: criteria provided, single submitter. Criteria: Invitae Variant Classification Sherloc (09022015). Collection method: clinical testing. Allele origin: germline.
Comment: This sequence change replaces proline with alanine at codon 677 of the RAG1 protein (p.Pro677Ala). The proline residue is highly conserved and there is a small physicochemical difference between proline and alanine. This variant is not present in population databases (ExAC no frequency). This variant has not been reported in the literature in individuals affected with RAG1-related conditions. Advanced modeling of protein sequence and biophysical properties (such as structural, functional, and spatial information, amino acid conservation, physicochemical variation, residue mobility, and thermodynamic stability) performed at Invitae indicates that this missense variant is expected to disrupt RAG1 protein function. In summary, the available evidence is currently insufficient to determine the role of this variant in disease. Therefore, it has been classified as a Variant of Uncertain Significance.

NM_000448.3(RAG1):c.2029C>G (p.Pro677Ala)

Gene: RAG1 (recombination activating 1; plus strand). Cytogenetic location: 11p12.
Variant type: single nucleotide variant.
Coding change: c.2029C>G on transcript NM_000448.3 (MANE Select); coding-DNA position 2029, C replaced by G.
Protein change: p.Pro677Ala; replaces proline 677 with alanine.
Molecular consequence: missense variant.
Genome position (GRCh38, 1-based): chr11:36,575,333, C>G. VCF-style: chr11-36575333-C-G. GRCh37 (hg19) VCF-style: chr11-36596883-C-G.
Other names: c.2029C>G, p.Pro677Ala (NM_001377277.1, NM_001377278.1, NM_001377279.1 and 1 more transcripts); short protein forms P677A.
Identifiers: ClinVar variation 1403537 (VCV001403537.6), dbSNP rs773165685, ClinGen allele CA380153834.